The following is an entry in ClinVar:

ClinVar aggregate classification (germline): Uncertain significance (1 of 4 stars; one submission).

Submission:

Labcorp Genetics (formerly Invitae), Labcorp
Classification: Uncertain significance. Last evaluated: 2023-11-05. Review status: criteria provided, single submitter. Criteria: Invitae Variant Classification Sherloc (09022015). Collection method: clinical testing. Allele origin: germline.
Comment: This sequence change replaces proline, which is neutral and non-polar, with serine, which is neutral and polar, at codon 1330 of the POLE protein (p.Pro1330Ser). This variant is not present in population databases (gnomAD no frequency). This variant has not been reported in the literature in individuals affected with POLE-related conditions. ClinVar contains an entry for this variant (Variation ID: 948963). Advanced modeling of protein sequence and biophysical properties (such as structural, functional, and spatial information, amino acid conservation, physicochemical variation, residue mobility, and thermodynamic stability) performed at Invitae indicates that this missense variant is not expected to disrupt POLE protein function with a negative predictive value of 80%. In summary, the available evidence is currently insufficient to determine the role of this variant in disease. Therefore, it has been classified as a Variant of Uncertain Significance.

NM_006231.4(POLE):c.3988C>T (p.Pro1330Ser)

Gene: POLE (DNA polymerase epsilon, catalytic subunit; minus strand). Cytogenetic location: 12q24.33.
Variant type: single nucleotide variant.
Coding change: c.3988C>T on transcript NM_006231.4 (MANE Select); coding-DNA position 3988, C replaced by T.
Protein change: p.Pro1330Ser; replaces proline 1330 with serine.
Molecular consequence: missense variant.
Genome position (GRCh38, 1-based): chr12:132,649,323, G>A on the plus strand (C>T on the coding strand, the complement: POLE is on the minus strand). VCF-style: chr12-132649323-G-A. GRCh37 (hg19) VCF-style: chr12-133225909-G-A.
Other names: short protein forms P1330S.
Identifiers: ClinVar variation 948963 (VCV000948963.9), dbSNP rs2042362273, ClinGen allele CA387384692.